The following is an entry in ClinVar:

NM_032043.3(BRIP1):c.1640A>G (p.Asp547Gly)

Gene: BRIP1 (BRCA1 interacting DNA helicase 1; minus strand). Cytogenetic location: 17q23.2.
Variant type: single nucleotide variant.
Coding change: c.1640A>G on transcript NM_032043.3 (MANE Select); coding-DNA position 1640, A replaced by G.
Protein change: p.Asp547Gly; replaces aspartic acid 547 with glycine.
Molecular consequence: missense variant.
Genome position (GRCh38, 1-based): chr17:61,780,994, T>C on the plus strand (A>G on the coding strand, the complement: BRIP1 is on the minus strand). VCF-style: chr17-61780994-T-C. GRCh37 (hg19) VCF-style: chr17-59858355-T-C.
Other names: short protein forms D547G.
Identifiers: ClinVar variation 999004 (VCV000999004.9), dbSNP rs2077612324, ClinGen allele CA400480566.

ClinVar aggregate classification (germline): Uncertain significance (1 of 4 stars; one submission).

Conditions:
Familial cancer of breast. Also called: hereditary breast carcinoma; Hereditary breast cancer; BREAST CANCER, FAMILIAL. Identifiers: Orphanet 227535, MedGen C0346153, MONDO:0016419, OMIM 114480. Disease mechanism: loss of function.
Fanconi anemia complementation group J. Also called: BRIP1-Related Fanconi Anemia. Identifiers: Orphanet 84, MedGen C1836860, MONDO:0012187, OMIM 609054.

Submission:

Labcorp Genetics (formerly Invitae), Labcorp
Classification: Uncertain significance for Familial cancer of breast; Fanconi anemia complementation group J. Last evaluated: 2024-02-24. Review status: criteria provided, single submitter. Criteria: Invitae Variant Classification Sherloc (09022015). Collection method: clinical testing. Allele origin: germline.
Comment: This sequence change replaces aspartic acid, which is acidic and polar, with glycine, which is neutral and non-polar, at codon 547 of the BRIP1 protein (p.Asp547Gly). This variant is not present in population databases (gnomAD no frequency). This variant has not been reported in the literature in individuals affected with BRIP1-related conditions. ClinVar contains an entry for this variant (Variation ID: 999004). Advanced modeling of protein sequence and biophysical properties (such as structural, functional, and spatial information, amino acid conservation, physicochemical variation, residue mobility, and thermodynamic stability) has been performed at Invitae for this missense variant, however the output from this modeling did not meet the statistical confidence thresholds required to predict the impact of this variant on BRIP1 protein function. In summary, the available evidence is currently insufficient to determine the role of this variant in disease. Therefore, it has been classified as a Variant of Uncertain Significance.